The following is an entry in ClinVar:

NC_000010.11:g.(?_53806569)_(54664272_?)del

Gene: PCDH15 (protocadherin related 15; minus strand). Cytogenetic location: 10q21.1.
Variant type: Deletion.
Identifiers: ClinVar variation 831462 (VCV000831462.1).

ClinVar aggregate classification (germline): Pathogenic (1 of 4 stars; one submission).

Submission:

Labcorp Genetics (formerly Invitae), Labcorp
Classification: Pathogenic. Last evaluated: 2019-08-16. Review status: criteria provided, single submitter. Criteria: Invitae Variant Classification Sherloc (09022015). Collection method: clinical testing. Allele origin: germline.
Comment: A gross deletion of the genomic region encompassing the full coding sequence of the PCDH15 gene has been identified. The boundaries of this event are unknown as the deletion extends beyond the assayed region for this gene and therefore may encompass additional genes. This variant has not been reported in the literature in individuals with PCDH15-related conditions. Loss-of-function variants in PCDH15 are known to be pathogenic (PMID: 11398101, 11487575, 14570705). For these reasons, this variant has been classified as Pathogenic.